The following is an entry in ClinVar:

ClinVar aggregate classification (germline): Benign. Review status: criteria provided, multiple submitters, no conflicts (2 of 4 stars). 2 submissions from 2 submitters: Benign (2). Last evaluated 2018-06-19.

Allele frequency attached by ClinVar (database versions not stated): gnomAD exomes 0.07281; gnomAD 0.21772 and 0.22831; TOPMed 0.24348; 1000 Genomes Project 0.24795; 1000 Genomes Project 30x 0.25640.
gnomAD v4.1: 47,790 of 427,797 alleles (11%); highest among the groups gnomAD compares: African/African-American, 66%; 7,113 homozygotes.

Submissions (2):

GeneDx
Classification: Benign. Last evaluated: 2018-06-19. Review status: criteria provided, single submitter. Criteria: GeneDx Variant Classification (06012015). Collection method: clinical testing. Allele origin: germline. Affected: yes.
Comment: This variant is considered likely benign or benign based on one or more of the following criteria: it is a conservative change, it occurs at a poorly conserved position in the protein, it is predicted to be benign by multiple in silico algorithms, and/or has population frequency not consistent with disease.

Breakthrough Genomics
Classification: Benign. Review status: criteria provided, single submitter. Criteria: ACMG Guidelines, 2015. Collection method: not provided. Allele origin: germline. Inheritance: X-linked inheritance. Affected: yes.

NM_000284.4(PDHA1):c.510+236G>T

Gene: PDHA1 (pyruvate dehydrogenase E1 subunit alpha 1; plus strand). Cytogenetic location: Xp22.12.
Variant type: single nucleotide variant.
Coding change: c.510+236G>T on transcript NM_000284.4 (MANE Select); 236 bases into the intron after coding-DNA position 510, G replaced by T.
Molecular consequence: intron variant.
Genome position (GRCh38, 1-based): chrX:19,353,409, G>T. VCF-style: chrX-19353409-G-T. GRCh37 (hg19) VCF-style: chrX-19371527-G-T.
Other names: c.624+236G>T (NM_001173454.2); c.531+236G>T (NM_001173455.2); c.510+236G>T (NM_001173456.2).
Identifiers: ClinVar variation 683398 (VCV000683398.2), dbSNP rs7886893, ClinGen allele CA327025699.